The following is an entry in ClinVar:

ClinVar aggregate classification (germline): Uncertain significance (1 of 4 stars; one submission).

Allele frequency attached by ClinVar (database versions not stated): TOPMed below 0.00001; gnomAD exomes 0.00001 and below 0.00001.
gnomAD v4.1: 14 of 1,613,040 alleles (0.00087%); highest among the groups gnomAD compares: Non-Finnish European, 0.0012%; no homozygotes.

Submission:

Labcorp Genetics (formerly Invitae), Labcorp
Classification: Uncertain significance. Last evaluated: 2024-02-17. Review status: criteria provided, single submitter. Criteria: Invitae Variant Classification Sherloc (09022015). Collection method: clinical testing. Allele origin: germline.
Comment: This sequence change replaces glycine, which is neutral and non-polar, with valine, which is neutral and non-polar, at codon 78 of the CDH3 protein (p.Gly78Val). The frequency data for this variant in the population databases is considered unreliable, as metrics indicate poor data quality at this position in the gnomAD database. This variant has not been reported in the literature in individuals affected with CDH3-related conditions. ClinVar contains an entry for this variant (Variation ID: 1478940). An algorithm developed to predict the effect of missense changes on protein structure and function (PolyPhen-2) suggests that this variant is likely to be tolerated. In summary, the available evidence is currently insufficient to determine the role of this variant in disease. Therefore, it has been classified as a Variant of Uncertain Significance.

NM_001793.6(CDH3):c.233G>T (p.Gly78Val)

Gene: CDH3 (cadherin 3; plus strand). Cytogenetic location: 16q22.1.
Variant type: single nucleotide variant.
Coding change: c.233G>T on transcript NM_001793.6 (MANE Select); coding-DNA position 233, G replaced by T.
Protein change: p.Gly78Val; replaces glycine 78 with valine.
Molecular consequence: missense variant.
Genome position (GRCh38, 1-based): chr16:68,676,457, G>T. VCF-style: chr16-68676457-G-T. GRCh37 (hg19) VCF-style: chr16-68710360-G-T.
Other names: c.233G>T, p.Gly78Val (NM_001317195.3); c.68G>T, p.Gly23Val (NM_001317196.2); short protein forms G23V, G78V.
Identifiers: ClinVar variation 1478940 (VCV001478940.6), dbSNP rs201456844, ClinGen allele CA283270526.
Genomic context (GRCh38, chr16:68,676,457, plus strand): 5'-GCCCTGGGCAAGAGCCAGCTCTGTTTAGCACTGATAATGATGACTTCACTGTGCGGAATG[G>T]CGAGACAGTCCAGGTAAAATACCATGTCCACCTGCAGGACAAAAGAAAGATGTTCTCTGT-3'
Protein context (NP_001784.2, residues 68-88): TDNDDFTVRN[Gly78Val]ETVQERRSLK